The following is an entry in ClinVar:

ClinVar aggregate classification (germline): Uncertain significance. Review status: criteria provided, multiple submitters, no conflicts (2 of 4 stars). 2 submissions from 2 submitters: Uncertain significance (2). Last evaluated 2023-08-16.

Allele frequency attached by ClinVar (database versions not stated): TOPMed below 0.00001; gnomAD 0.00001; gnomAD exomes 0.00001.

Submissions (2):

Labcorp Genetics (formerly Invitae), Labcorp
Classification: Uncertain significance. Last evaluated: 2023-08-16. Review status: criteria provided, single submitter. Criteria: Invitae Variant Classification Sherloc (09022015). Collection method: clinical testing. Allele origin: germline.
Comment: ClinVar contains an entry for this variant (Variation ID: 2287790). In summary, the available evidence is currently insufficient to determine the role of this variant in disease. Therefore, it has been classified as a Variant of Uncertain Significance. An algorithm developed to predict the effect of missense changes on protein structure and function (PolyPhen-2) suggests that this variant is likely to be disruptive. This variant has not been reported in the literature in individuals affected with MOCS3-related conditions. This variant is present in population databases (no rsID available, gnomAD 0.007%). This sequence change replaces alanine, which is neutral and non-polar, with threonine, which is neutral and polar, at codon 177 of the MOCS3 protein (p.Ala177Thr).

Ambry Genetics
Classification: Uncertain significance. Last evaluated: 2022-05-06. Review status: criteria provided, single submitter. Criteria: Ambry Variant Classification Scheme 2023. Collection method: clinical testing. Allele origin: germline.

NM_014484.5(MOCS3):c.529G>A (p.Ala177Thr)

Gene: MOCS3 (molybdenum cofactor synthesis 3; plus strand). Cytogenetic location: 20q13.13.
Variant type: single nucleotide variant.
Coding change: c.529G>A on transcript NM_014484.5 (MANE Select); coding-DNA position 529, G replaced by A.
Protein change: p.Ala177Thr; replaces alanine 177 with threonine.
Molecular consequence: missense variant.
Genome position (GRCh38, 1-based): chr20:50,959,371, G>A. VCF-style: chr20-50959371-G-A. GRCh37 (hg19) VCF-style: chr20-49575908-G-A.
Other names: short protein forms A177T.
Identifiers: ClinVar variation 2287790 (VCV002287790.5), dbSNP rs1472949638, ClinGen allele CA408983198.